The following is an entry in ClinVar:

ClinVar aggregate classification (germline): Uncertain significance (1 of 4 stars; one submission).

Conditions:
Hereditary cancer-predisposing syndrome. Also called: Neoplastic Syndromes, Hereditary; Tumor predisposition; Hereditary Cancer Syndrome; Hereditary neoplastic syndrome. Identifiers: Orphanet 140162, MedGen C0027672, MeSH D009386, MONDO:0015356.

Submission:

Ambry Genetics
Classification: Uncertain significance for Hereditary cancer-predisposing syndrome. Last evaluated: 2022-05-16. Review status: criteria provided, single submitter. Criteria: Ambry Variant Classification Scheme 2023. Collection method: clinical testing. Allele origin: germline.
Comment: The p.D602Y variant (also known as c.1804G>T), located in coding exon 9 of the ALK gene, results from a G to T substitution at nucleotide position 1804. The aspartic acid at codon 602 is replaced by tyrosine, an amino acid with highly dissimilar properties. This amino acid position is conserved. In addition, this alteration is predicted to be tolerated by in silico analysis. Since supporting evidence is limited at this time, the clinical significance of this alteration remains unclear.

NM_004304.5(ALK):c.1804G>T (p.Asp602Tyr)

Gene: ALK (ALK receptor tyrosine kinase; minus strand). Cytogenetic location: 2p23.2.
Variant type: single nucleotide variant.
Coding change: c.1804G>T on transcript NM_004304.5 (MANE Select); coding-DNA position 1804, G replaced by T.
Protein change: p.Asp602Tyr; replaces aspartic acid 602 with tyrosine.
Molecular consequence: missense variant.
Genome position (GRCh38, 1-based): chr2:29,296,901, C>A on the plus strand (G>T on the coding strand, the complement: ALK is on the minus strand). VCF-style: chr2-29296901-C-A. GRCh37 (hg19) VCF-style: chr2-29519767-C-A.
Other names: short protein forms D602Y.
Identifiers: ClinVar variation 1780460 (VCV001780460.2), dbSNP rs1165866210, ClinGen allele CA346465830.